The following is an entry in ClinVar:

NM_000038.6(APC):c.8288G>A (p.Ser2763Asn)

Gene: APC (APC regulator of Wnt signaling pathway; plus strand). Cytogenetic location: 5q22.2.
Variant type: single nucleotide variant.
Coding change: c.8288G>A on transcript NM_000038.6 (MANE Select); coding-DNA position 8288, G replaced by A.
Protein change: p.Ser2763Asn; replaces serine 2763 with asparagine.
Molecular consequence: missense variant. On other transcripts: non-coding transcript variant (2).
Genome position (GRCh38, 1-based): chr5:112,843,882, G>A. VCF-style: chr5-112843882-G-A. GRCh37 (hg19) VCF-style: chr5-112179579-G-A.
Other names: c.8288G>A, p.Ser2763Asn (NM_001127510.3, NM_001354895.2, NM_001407450.1); c.8234G>A, p.Ser2745Asn (NM_001127511.3); c.8342G>A, p.Ser2781Asn (NM_001354896.2, NM_001407447.1, NM_001407448.1 and 1 more transcripts); c.8318G>A, p.Ser2773Asn (NM_001354897.2); c.8213G>A, p.Ser2738Asn (NM_001354898.2); c.8204G>A, p.Ser2735Asn (NM_001354899.2); c.8165G>A, p.Ser2722Asn (NM_001354900.2); c.8111G>A, p.Ser2704Asn (NM_001354901.2, NM_001407453.1); and 12 more; short protein forms S2480N, S2637N, S2781N, S2791N, S2603N, S2672N, S2704N, S2738N.
Identifiers: ClinVar variation 2812293 (VCV002812293.4), dbSNP rs1766706339, ClinGen allele CA16039311.
Genomic context (GRCh38, chr5:112,843,882, plus strand): 5'-ATAATCCTGTCCCTGTATCAGAGACTAATGAAAGTTCTATAGTGGAACGTACCCCATTCA[G>A]TTCTAGCAGCTCAAGCAAACACAGTTCACCTAGTGGGACTGTTGCTGCCAGAGTGACTCC-3'
Protein context (NP_000029.2, residues 2753-2773): ESSIVERTPF[Ser2763Asn]SSSSSKHSSP

ClinVar aggregate classification (germline): Uncertain significance. Review status: criteria provided, multiple submitters, no conflicts (2 of 4 stars). 2 submissions from 2 submitters: Uncertain significance (2). Last evaluated 2025-02-02.

Conditions:
Familial adenomatous polyposis 1 (FAP1). Also called: FAMILIAL ADENOMATOUS POLYPOSIS 1, ATTENUATED; POLYPOSIS, ADENOMATOUS INTESTINAL. Identifiers: MedGen C2713442, MONDO:0021056, OMIM 175100. Disease mechanism: loss of function.
Hereditary cancer-predisposing syndrome. Also called: Tumor predisposition; Hereditary Cancer Syndrome; Hereditary neoplastic syndrome; Neoplastic Syndromes, Hereditary. Identifiers: Orphanet 140162, MedGen C0027672, MeSH D009386, MONDO:0015356.

Allele frequency attached by ClinVar (database versions not stated): gnomAD exomes below 0.00001.
gnomAD v4.1: 1 of 1,613,984 alleles (0.000062%); highest among the groups gnomAD compares: African/African-American, 0.0013%; no homozygotes.

Submissions (2):

Ambry Genetics
Classification: Uncertain significance for Hereditary cancer-predisposing syndrome. Last evaluated: 2025-02-02. Review status: criteria provided, single submitter. Criteria: Ambry Variant Classification Scheme 2023. Collection method: clinical testing. Allele origin: germline.
Comment: The p.S2763N variant (also known as c.8288G>A), located in coding exon 15 of the APC gene, results from a G to A substitution at nucleotide position 8288. The serine at codon 2763 is replaced by asparagine, an amino acid with highly similar properties. This amino acid position is conserved. In addition, in silico predictors for this gene do not accurately predict pathogenicity. Based on the available evidence, the clinical significance of this variant remains unclear.

Labcorp Genetics (formerly Invitae), Labcorp
Classification: Uncertain significance for Familial adenomatous polyposis 1. Last evaluated: 2023-05-22. Review status: criteria provided, single submitter. Criteria: Invitae Variant Classification Sherloc (09022015). Collection method: clinical testing. Allele origin: germline.
Comment: In summary, the available evidence is currently insufficient to determine the role of this variant in disease. Therefore, it has been classified as a Variant of Uncertain Significance. Advanced modeling of protein sequence and biophysical properties (such as structural, functional, and spatial information, amino acid conservation, physicochemical variation, residue mobility, and thermodynamic stability) performed at Invitae indicates that this missense variant is not expected to disrupt APC protein function. This variant has not been reported in the literature in individuals affected with APC-related conditions. This variant is not present in population databases (gnomAD no frequency). This sequence change replaces serine, which is neutral and polar, with asparagine, which is neutral and polar, at codon 2763 of the APC protein (p.Ser2763Asn).